The following is an entry in ClinVar:

ClinVar aggregate classification (germline): Likely pathogenic. Review status: criteria provided, multiple submitters, no conflicts (2 of 4 stars). 3 submissions from 3 submitters: Likely pathogenic (2). 1 of the submissions does not count toward it. Last evaluated 2020-08-03.

Conditions:
Developmental and epileptic encephalopathy, 27 (DEE27). Also called: GRIN2B-Related Neurodevelopmental Disorder; Epileptic encephalopathy, early infantile, 27. Identifiers: Orphanet 3451, MedGen C4015316, MONDO:0014505, OMIM 616139.
Intellectual developmental disorder, autosomal dominant 6, with or without seizures. Also called: GRIN2B-related developmental delay, intellectual disability and autism spectrum disorder; Intellectual disability, autosomal dominant 6. Identifiers: Orphanet 589547, MedGen C3151411, MONDO:0013509, OMIM 613970.

Submissions (3):

Genetics and Molecular Pathology, SA Pathology
Classification: Likely pathogenic for Developmental and epileptic encephalopathy, 27. Last evaluated: 2020-08-03. Review status: criteria provided, single submitter. Criteria: ACMG Guidelines, 2015. Collection method: clinical testing. Allele origin: germline. Inheritance: Autosomal dominant inheritance. Affected: yes.
Comment: The GRIN2B c.1658C>T missense variant is classified as LIKELY PATHOGENIC (PM2, PP3, PP5, PS2) The GRIN2B c.1658C>T missense variant is a single nucleotide change in exon 8 of the GRIN2B gene, which is predicted to change the amino acid proline at position 553 in the protein to leucine. This variant has been reported in a patient with severe intellectual disability and hypotonia, with early post-natal onset (PMID:23033978). In that patient, this variant was found to be de novo and was reported as likely pathogenic (PS2). This variant is in dbSNP (rs397514556) but is absent from population databases (PM2). This variant has been reported in ClinVar as Likely pathogenic by another diagnostic laboratory (Variation ID: VCV000039661.2), and has also been reported as damaging in HGMD (CM1211463) and pathogenic in LOVD (GRIN2B_000083) (PP5). Computational predictions support a deleterious effect on the gene or gene product (PP3).

Institute of Human Genetics, University of Leipzig Medical Center
Classification: Likely pathogenic for Intellectual developmental disorder, autosomal dominant 6, with or without seizures. Last evaluated: 2017-04-04. Review status: criteria provided, single submitter. Criteria: ACMG Guidelines, 2015. Collection method: clinical testing. Allele origin: de novo. Affected: yes.
Comment: This variant was identified as de novo (maternity and paternity confirmed).

OMIM
Classification: Pathogenic for INTELLECTUAL DEVELOPMENTAL DISORDER, AUTOSOMAL DOMINANT 6. Last evaluated: 2022-04-07. Review status: no assertion criteria provided. Collection method: literature only. Allele origin: germline. Not counted in ClinVar's aggregate classification.

Literature cited by the submitters: PubMed 23033978 (cited by Genetics and Molecular Pathology, SA Pathology); PubMed 28377535 (cited by Institute of Human Genetics, University of Leipzig Medical Center); PubMed 16537520 (cited by OMIM).

NM_000834.5(GRIN2B):c.1658C>T (p.Pro553Leu)

Gene: GRIN2B (glutamate ionotropic receptor NMDA type subunit 2B; minus strand). Cytogenetic location: 12p13.1.
Variant type: single nucleotide variant.
Coding change: c.1658C>T on transcript NM_000834.5 (MANE Select); coding-DNA position 1658, C replaced by T.
Protein change: p.Pro553Leu; replaces proline 553 with leucine.
Molecular consequence: missense variant.
Genome position (GRCh38, 1-based): chr12:13,611,847, G>A on the plus strand (C>T on the coding strand, the complement: GRIN2B is on the minus strand). VCF-style: chr12-13611847-G-A. GRCh37 (hg19) VCF-style: chr12-13764781-G-A.
Other names: short protein forms P553L.
Identifiers: ClinVar variation 39661 (VCV000039661.5), dbSNP rs397514556, ClinGen allele CA130440.